The following is an entry in ClinVar:

NM_015693.4(INTU):c.2459T>C (p.Val820Ala)

Gene: INTU (inturned planar cell polarity protein; plus strand). Cytogenetic location: 4q28.1.
Variant type: single nucleotide variant.
Coding change: c.2459T>C on transcript NM_015693.4 (MANE Select); coding-DNA position 2459, T replaced by C.
Protein change: p.Val820Ala; replaces valine 820 with alanine.
Molecular consequence: missense variant.
Genome position (GRCh38, 1-based): chr4:127,711,002, T>C. VCF-style: chr4-127711002-T-C. GRCh37 (hg19) VCF-style: chr4-128632157-T-C.
Other names: short protein forms V820A.
Identifiers: ClinVar variation 2889010 (VCV002889010.3), dbSNP rs747028455, ClinGen allele CA3075338.

ClinVar aggregate classification (germline): Uncertain significance (1 of 4 stars; one submission).

Allele frequency attached by ClinVar (database versions not stated): gnomAD exomes 0.00001; ExAC 0.00002; TOPMed 0.00002; gnomAD 0.00003.
gnomAD v4.1: 25 of 1,608,098 alleles (0.0016%); highest among the groups gnomAD compares: East Asian, 0.04%; no homozygotes.

Submission:

Labcorp Genetics (formerly Invitae), Labcorp
Classification: Uncertain significance. Last evaluated: 2023-07-03. Review status: criteria provided, single submitter. Criteria: Invitae Variant Classification Sherloc (09022015). Collection method: clinical testing. Allele origin: germline.
Comment: This sequence change replaces valine, which is neutral and non-polar, with alanine, which is neutral and non-polar, at codon 820 of the INTU protein (p.Val820Ala). This variant is present in population databases (rs747028455, gnomAD 0.03%). This variant has not been reported in the literature in individuals affected with INTU-related conditions. Advanced modeling of protein sequence and biophysical properties (such as structural, functional, and spatial information, amino acid conservation, physicochemical variation, residue mobility, and thermodynamic stability) performed at Invitae indicates that this missense variant is expected to disrupt INTU protein function. In summary, the available evidence is currently insufficient to determine the role of this variant in disease. Therefore, it has been classified as a Variant of Uncertain Significance.